The following is an entry in ClinVar:

NM_001042492.3(NF1):c.4207G>C (p.Gly1403Arg)

Gene: NF1 (neurofibromin 1; plus strand). Cytogenetic location: 17q11.2.
Variant type: single nucleotide variant.
Coding change: c.4207G>C on transcript NM_001042492.3 (MANE Select); coding-DNA position 4207, G replaced by C.
Protein change: p.Gly1403Arg; replaces glycine 1403 with arginine.
Molecular consequence: missense variant.
Genome position (GRCh38, 1-based): chr17:31,258,377, G>C. VCF-style: chr17-31258377-G-C. GRCh37 (hg19) VCF-style: chr17-29585395-G-C.
Other names: c.4144G>C, p.Gly1382Arg (NM_000267.4); short protein forms G1382R, G1403R.
Identifiers: ClinVar variation 653561 (VCV000653561.11), dbSNP rs138227618, ClinGen allele CA398997672.

ClinVar aggregate classification (germline): Uncertain significance. Review status: criteria provided, multiple submitters, no conflicts (2 of 4 stars). 3 submissions from 3 submitters: Uncertain significance (3). Last evaluated 2023-05-26.

Conditions:
Cardiovascular phenotype. Identifiers: MedGen CN230736.
Hereditary cancer-predisposing syndrome. Also called: Neoplastic Syndromes, Hereditary; Hereditary neoplastic syndrome; Hereditary Cancer Syndrome; Tumor predisposition. Identifiers: Orphanet 140162, MedGen C0027672, MeSH D009386, MONDO:0015356.
Neurofibromatosis, type 1 (NF1). Also called: VON RECKLINGHAUSEN DISEASE; NEUROFIBROMATOSIS, TYPE I, SOMATIC; Peripheral type neurofibromatosis; Neurofibromatosis, type I. Identifiers: Orphanet 636, MedGen C0027831, MONDO:0018975, OMIM 162200. Disease mechanism: loss of function.

gnomAD v4.1: 1 of 1,613,682 alleles (0.000062%); highest among the groups gnomAD compares: Non-Finnish European, 0.000085%; no homozygotes.

Submissions (3):

Labcorp Genetics (formerly Invitae), Labcorp
Classification: Uncertain significance for Neurofibromatosis, type 1. Last evaluated: 2023-05-26. Review status: criteria provided, single submitter. Criteria: Invitae Variant Classification Sherloc (09022015). Collection method: clinical testing. Allele origin: germline.
Comment: This variant is not present in population databases (gnomAD no frequency). This sequence change replaces glycine, which is neutral and non-polar, with arginine, which is basic and polar, at codon 1382 of the NF1 protein (p.Gly1382Arg). This variant has not been reported in the literature in individuals affected with NF1-related conditions. ClinVar contains an entry for this variant (Variation ID: 653561). Advanced modeling of protein sequence and biophysical properties (such as structural, functional, and spatial information, amino acid conservation, physicochemical variation, residue mobility, and thermodynamic stability) performed at Invitae indicates that this missense variant is expected to disrupt NF1 protein function. In summary, the available evidence is currently insufficient to determine the role of this variant in disease. Therefore, it has been classified as a Variant of Uncertain Significance.

Genome-Nilou Lab
Classification: Uncertain significance for Neurofibromatosis, type 1. Last evaluated: 2022-03-15. Review status: criteria provided, single submitter. Criteria: ACMG Guidelines, 2015. Collection method: clinical testing. Allele origin: germline. Affected: no.

Ambry Genetics
Classification: Uncertain significance for Cardiovascular phenotype; Hereditary cancer-predisposing syndrome. Last evaluated: 2018-12-01. Review status: criteria provided, single submitter. Criteria: Ambry Variant Classification Scheme 2023. Collection method: clinical testing. Allele origin: germline.
Comment: The p.G1382R variant (also known as c.4144G>C), located in coding exon 31 of the NF1 gene, results from a G to C substitution at nucleotide position 4144. The glycine at codon 1382 is replaced by arginine, an amino acid with dissimilar properties. This amino acid position is highly conserved in available vertebrate species. In addition, this alteration is predicted to be deleterious by in silico analysis. Since supporting evidence is limited at this time, the clinical significance of this alteration remains unclear.